The following is an entry in ClinVar:

ClinVar aggregate classification (germline): Likely benign (0 of 4 stars; one submission).

Conditions:
TJP2-related disorder. Also called: TJP2-related condition.

gnomAD v4.1: 17 of 1,613,904 alleles (0.0011%); highest among the groups gnomAD compares: South Asian, 0.0022%; no homozygotes.

Submission:

PreventionGenetics, part of Exact Sciences
Classification: Likely benign for TJP2-related condition. Last evaluated: 2024-09-06. Review status: no assertion criteria provided. Collection method: clinical testing. Allele origin: germline.
Comment: This variant is classified as likely benign based on ACMG/AMP sequence variant interpretation guidelines (Richards et al. 2015 PMID: 25741868, with internal and published modifications).

NM_004817.4(TJP2):c.1980C>T (p.Pro660=)

Gene: TJP2 (tight junction protein 2; plus strand). Cytogenetic location: 9q21.11.
Variant type: single nucleotide variant.
Coding change: c.1980C>T on transcript NM_004817.4 (MANE Select); coding-DNA position 1980, C replaced by T.
Protein change: p.Pro660=; no amino-acid change (proline 660 retained).
Molecular consequence: synonymous variant.
Genome position (GRCh38, 1-based): chr9:69,236,227, C>T. VCF-style: chr9-69236227-C-T. GRCh37 (hg19) VCF-style: chr9-71851143-C-T.
Other names: c.1911C>T, p.Pro637= (NM_001170414.2, NM_001369871.1); c.1992C>T, p.Pro664= (NM_001170415.1, NM_001369874.1, NM_001369875.1); c.2073C>T, p.Pro691= (NM_001170416.2); c.1905C>T, p.Pro635= (NM_001369870.1); c.1980C>T, p.Pro660= (NM_001369872.1, NM_001369873.1, NM_201629.3).
Identifiers: ClinVar variation 3353460 (VCV003353460.1).